The following is an entry in ClinVar:

NM_213720.3(CHCHD10):c.42-5C>T

Gene: CHCHD10 (coiled-coil-helix-coiled-coil-helix domain containing 10; minus strand). Cytogenetic location: 22q11.23.
Variant type: single nucleotide variant.
Coding change: c.42-5C>T on transcript NM_213720.3 (MANE Select); 5 bases into the intron before coding-DNA position 42, C replaced by T.
Molecular consequence: intron variant.
Genome position (GRCh38, 1-based): chr22:23,767,598, G>A on the plus strand (C>T on the coding strand, the complement: CHCHD10 is on the minus strand). VCF-style: chr22-23767598-G-A. GRCh37 (hg19) VCF-style: chr22-24109785-G-A.
Other names: c.42-5C>T (NM_001301339.2).
Identifiers: ClinVar variation 1080264 (VCV001080264.11), dbSNP rs868345557, ClinGen allele CA322574089.

ClinVar aggregate classification (germline): Conflicting classifications of pathogenicity. Review status: criteria provided, conflicting classifications (1 of 4 stars). 2 submissions from 2 submitters: Uncertain significance (1); Likely benign (1). Last evaluated 2025-12-16.

Conditions:
Lower motor neuron syndrome with late-adult onset (SMAJ). Also called: Spinal muscular atrophy, Jokela type; Late-Onset Spinal Motor Neuronopathy (SMAJ). Identifiers: Orphanet 276435, MedGen C3554398, MONDO:0014025, OMIM 615048.
Frontotemporal dementia and/or amyotrophic lateral sclerosis 2. Also called: FTDALS2. Identifiers: Orphanet 275872, MedGen C4014648, MONDO:0014395, OMIM 615911.
Autosomal dominant mitochondrial myopathy with exercise intolerance (IMMD). Also called: Myopathy, isolated mitochondrial, autosomal dominant. Identifiers: Orphanet 457050, MedGen C4015513, MONDO:0014532, OMIM 616209.
Inborn genetic diseases. Identifiers: MedGen C0950123, MeSH D030342.

gnomAD v4.1: 9 of 1,153,980 alleles (0.00078%); highest among the groups gnomAD compares: Admixed American, 0.0041%; no homozygotes.

Submissions (2):

Labcorp Genetics (formerly Invitae), Labcorp
Classification: Likely benign for Lower motor neuron syndrome with late-adult onset; Frontotemporal dementia and/or amyotrophic lateral sclerosis 2; Autosomal dominant mitochondrial myopathy with exercise intolerance. Last evaluated: 2025-12-16. Review status: criteria provided, single submitter. Criteria: Invitae Variant Classification Sherloc (09022015). Collection method: clinical testing. Allele origin: germline.

Ambry Genetics
Classification: Uncertain significance for Inborn genetic diseases. Last evaluated: 2019-11-26. Review status: criteria provided, single submitter. Criteria: Ambry Variant Classification Scheme 2023. Collection method: clinical testing. Allele origin: germline.
Comment: The c.42-5C>T intronic variant results from a C to T substitution 5 nucleotides upstream from coding exon 2 in the CHCHD10 gene. This nucleotide position is not well conserved in available vertebrate species. Using the BDGP and ESEfinder splice site prediction tools, this alteration is not predicted to have any significant effect on this splice acceptor site; however, direct evidence is unavailable. Since supporting evidence is limited at this time, the clinical significance of this alteration remains unclear.